The following is an entry in ClinVar:

NM_024422.6(DSC2):c.1871G>T (p.Arg624Ile)

Gene: DSC2 (desmocollin 2; minus strand). Cytogenetic location: 18q12.1.
Variant type: single nucleotide variant.
Coding change: c.1871G>T on transcript NM_024422.6 (MANE Select); coding-DNA position 1871, G replaced by T.
Protein change: p.Arg624Ile; replaces arginine 624 with isoleucine.
Molecular consequence: missense variant.
Genome position (GRCh38, 1-based): chr18:31,074,700, C>A on the plus strand (G>T on the coding strand, the complement: DSC2 is on the minus strand). VCF-style: chr18-31074700-C-A. GRCh37 (hg19) VCF-style: chr18-28654666-C-A.
Other names: c.1442G>T, p.Arg481Ile (NM_001406506.1, NM_001406507.1); c.1871G>T, p.Arg624Ile (NM_004949.5); short protein forms R481I, R624I.
Identifiers: ClinVar variation 1801938 (VCV001801938.1), dbSNP rs2510942639, ClinGen allele CA402113746.
Genomic context (GRCh38, chr18:31,074,700, plus strand): 5'-TCCTGATGTTGAAAAGGACAAAGCAATTTTCAAAAATATATACCATTAATTGCTTTCAGT[C>A]TCCACATTCTCTGTACTTCTGAAGTAGAACTCTCCAGACTAAAGTCAAAGGGTGGGCCAT-3'
Protein context (NP_077740.1, residues 614-634): SSTSEVQRMW[Arg624Ile]LKAINDTAAR

ClinVar aggregate classification (germline): Uncertain significance (1 of 4 stars; one submission).

Submission:

GeneDx
Classification: Uncertain significance. Last evaluated: 2022-05-31. Review status: criteria provided, single submitter. Criteria: GeneDx Variant Classification Process June 2021. Collection method: clinical testing. Allele origin: germline. Affected: yes.
Comment: Not observed at significant frequency in large population cohorts (gnomAD); In silico analysis supports that this missense variant does not alter protein structure/function; Has not been previously published as pathogenic or benign to our knowledge